The following is an entry in ClinVar:

ClinVar aggregate classification (germline): Pathogenic (1 of 4 stars; one submission).

Conditions:
Vici syndrome (VICIS). Identifiers: Orphanet 1493, MedGen C1855772, MONDO:0009452, OMIM 242840.

Submission:

Labcorp Genetics (formerly Invitae), Labcorp
Classification: Pathogenic for Vici syndrome. Last evaluated: 2023-12-05. Review status: criteria provided, single submitter. Criteria: Invitae Variant Classification Sherloc (09022015). Collection method: clinical testing. Allele origin: germline.
Comment: This sequence change creates a premature translational stop signal (p.Leu1197*) in the EPG5 gene. It is expected to result in an absent or disrupted protein product. Loss-of-function variants in EPG5 are known to be pathogenic (PMID: 23222957, 23674064). This variant is not present in population databases (gnomAD no frequency). This variant has not been reported in the literature in individuals affected with EPG5-related conditions. Algorithms developed to predict the effect of sequence changes on RNA splicing suggest that this variant may disrupt the consensus splice site. For these reasons, this variant has been classified as Pathogenic.

Literature cited by the submitters: PubMed 23222957; PubMed 23674064.

NM_020964.3(EPG5):c.3590T>A (p.Leu1197Ter)

Gene: EPG5 (ectopic P-granules 5 autophagy tethering factor; minus strand). Cytogenetic location: 18q21.1.
Variant type: single nucleotide variant.
Coding change: c.3590T>A on transcript NM_020964.3 (MANE Select); coding-DNA position 3590, T replaced by A.
Protein change: p.Leu1197Ter; replaces leucine 1197 with a stop codon.
Molecular consequence: nonsense.
Genome position (GRCh38, 1-based): chr18:45,915,614, A>T on the plus strand (T>A on the coding strand, the complement: EPG5 is on the minus strand). VCF-style: chr18-45915614-A-T. GRCh37 (hg19) VCF-style: chr18-43495579-A-T.
Other names: c.3590T>A, p.Leu1197Ter (NM_001410858.1, NM_001410859.1); short protein forms L1197*.
Identifiers: ClinVar variation 2701096 (VCV002701096.3), dbSNP rs2511816676, ClinGen allele CA402341878.
Genomic context (GRCh38, chr18:45,915,614, plus strand): 5'-TTGCCTGCCACAATCCAGCTTACCAAAGATGAGAGCAGACTCCGGTCACAGTGGTAACCC[A>T]AGGCATTCTACACCGGGAGATGTGGAGCAGAGAGAGGAGGTTTTAAGGAAAATCTTATCA-3'